The following is an entry in ClinVar:

NM_001267550.2(TTN):c.62327G>A (p.Ser20776Asn)

Genes: TTN (titin; minus strand), TTN-AS1 (TTN antisense RNA 1; plus strand). Cytogenetic location: 2q31.2.
Variant type: single nucleotide variant.
Coding change: c.62327G>A on transcript NM_001267550.2 (MANE Select); coding-DNA position 62327, G replaced by A.
Protein change: p.Ser20776Asn; replaces serine 20776 with asparagine.
Molecular consequence: missense variant.
Genome position (GRCh38, 1-based): chr2:178,589,398, C>T on the plus strand (G>A on the coding strand, the complement: TTN is on the minus strand). VCF-style: chr2-178589398-C-T. GRCh37 (hg19) VCF-style: chr2-179454125-C-T.
Other names: c.57404G>A, p.Ser19135Asn (NM_001256850.1); c.35132G>A, p.Ser11711Asn (NM_003319.4); c.54623G>A, p.Ser18208Asn (NM_133378.4); c.35507G>A, p.Ser11836Asn (NM_133432.3); c.35708G>A, p.Ser11903Asn (NM_133437.4); short protein forms S18208N, S11903N, S19135N, S11836N, S11711N, S20776N.
Identifiers: ClinVar variation 4993482 (VCV004993482.1).
Genomic context (GRCh38, chr2:178,589,398, plus strand): 5'-TTGCCTCTAACCCCTGCCTCAAGCCTAATGGTGTCCCCTGCTTTGACAGTTAGGACCCCA[C>T]TTAATTTCAGATCAAGTACTGGTTTTTGTAAGTCTTCTTTCACAACAACTTCCTCTGTCT-3'
Protein context (NP_001254479.2, residues 20766-20786): LQKPVLDLKL[Ser20776Asn]GVLTVKAGDT

ClinVar aggregate classification (germline): Uncertain significance (1 of 4 stars; one submission).

Conditions:
TTN-related disorder. Also called: TTN-related disorders; TTN-related condition; TTN-related disease.

gnomAD v4.1: 2 of 1,613,448 alleles (0.00012%); highest among the groups gnomAD compares: Admixed American, 0.0017%; no homozygotes.

Submission:

PreventionGenetics, part of Exact Sciences
Classification: Uncertain significance for TTN-related condition. Last evaluated: 2025-09-09. Review status: criteria provided, single submitter. Criteria: ACMG Guidelines, 2015. Collection method: clinical testing. Allele origin: germline.
Comment: The TTN c.62327G>A variant is predicted to result in the amino acid substitution p.Ser20776Asn. To our knowledge, this variant has not been reported in the literature. This variant is reported in 0.0029% of alleles in individuals of Latino descent in gnomAD. At this time, the clinical significance of this variant is uncertain due to the absence of conclusive functional and genetic evidence.